The following is an entry in ClinVar:

ClinVar aggregate classification (germline): Pathogenic (1 of 4 stars; one submission).

Conditions:
Multiple endocrine neoplasia, type 1 (MEN1). Also called: MEN I; WERMER SYNDROME; Endocrine adenomatosis multiple; MEN 1; MEA I. Identifiers: Orphanet 652, MedGen C0025267, MeSH D018761, MONDO:0007540, OMIM 131100.

Submission:

Labcorp Genetics (formerly Invitae), Labcorp
Classification: Pathogenic for Multiple endocrine neoplasia, type 1. Last evaluated: 2026-01-05. Review status: criteria provided, single submitter. Criteria: Invitae Variant Classification Sherloc (09022015). Collection method: clinical testing. Allele origin: germline.
Comment: This sequence change creates a premature translational stop signal (p.Tyr417*) in the MEN1 gene. It is expected to result in an absent or disrupted protein product. Loss-of-function variants in MEN1 are known to be pathogenic (PMID: 12112656, 17853334). This variant is not present in population databases (gnomAD no frequency). This premature translational stop signal has been observed in individual(s) with clinical features of multiple endocrine neoplasia type 1 (PMID: 15714081). For these reasons, this variant has been classified as Pathogenic.

Literature cited by the submitters: PubMed 12112656; PubMed 17853334; PubMed 15714081.

NM_001370259.2(MEN1):c.1251C>G (p.Tyr417Ter)

Gene: MEN1 (menin 1; minus strand). Cytogenetic location: 11q13.1.
Variant type: single nucleotide variant.
Coding change: c.1251C>G on transcript NM_001370259.2 (MANE Select); coding-DNA position 1251, C replaced by G.
Protein change: p.Tyr417Ter; replaces tyrosine 417 with a stop codon.
Molecular consequence: nonsense. On other transcripts: non-coding transcript variant (4), intron variant (1).
Genome position (GRCh38, 1-based): chr11:64,805,133, G>C on the plus strand (C>G on the coding strand, the complement: MEN1 is on the minus strand). VCF-style: chr11-64805133-G-C. GRCh37 (hg19) VCF-style: chr11-64572605-G-C.
Other names: c.1377C>G, p.Tyr459Ter (NM_001370251.2, NM_001407142.1, NM_001407143.1 and 1 more transcripts); c.1146C>G, p.Tyr382Ter (NM_001407148.1, NM_001407149.1, NM_001370262.2 and 1 more transcripts); c.1392C>G, p.Tyr464Ter (NM_001407150.1); c.1272C>G, p.Tyr424Ter (NM_001407151.1); c.1251C>G, p.Tyr417Ter (NM_130799.3, NM_001370260.2, NM_001370261.2 and 2 more transcripts); c.1266C>G, p.Tyr422Ter (NM_130800.3, NM_130801.3, NM_130802.3 and 4 more transcripts); c.1186-317C>G (NM_001407152.1); short protein forms Y382*, Y422*, Y464*, Y424*, Y417*, Y459*.
Identifiers: ClinVar variation 4709851 (VCV004709851.1).